The following is an entry in ClinVar:

NM_000406.3(GNRHR):c.29A>G (p.Asn10Ser)

Gene: GNRHR (gonadotropin releasing hormone receptor; minus strand). Cytogenetic location: 4q13.2.
Variant type: single nucleotide variant.
Coding change: c.29A>G on transcript NM_000406.3 (MANE Select); coding-DNA position 29, A replaced by G.
Protein change: p.Asn10Ser; replaces asparagine 10 with serine.
Molecular consequence: missense variant.
Genome position (GRCh38, 1-based): chr4:67,754,307, T>C on the plus strand (A>G on the coding strand, the complement: GNRHR is on the minus strand). VCF-style: chr4-67754307-T-C. GRCh37 (hg19) VCF-style: chr4-68620025-T-C.
Other names: c.29A>G, p.Asn10Ser (NM_001012763.2); short protein forms N10S.
Identifiers: ClinVar variation 3896610 (VCV003896610.2).
Genomic context (GRCh38, chr4:67,754,307, plus strand): 5'-GTGGGGAGGTTGCCCTGCATCAGTGGGATGCTGTTGTTGATGGCTGAACAGTGATTTTGA[T>C]TCTGTTCAGGAGAGGCACTGTTTGCCATATTTTCCCAGGACAGAGCTTCAAGCCTTGTGT-3'
Protein context (NP_000397.1, residues 1-20): MANSASPEQ[Asn10Ser]QNHCSAINNS

ClinVar aggregate classification (germline): Uncertain significance (1 of 4 stars; one submission).

gnomAD v4.1: 2 of 1,611,964 alleles (0.00012%); highest among the groups gnomAD compares: Non-Finnish European, 0.00017%; no homozygotes.

Submission:

Women's Health and Genetics/Laboratory Corporation of America, LabCorp
Classification: Uncertain significance. Last evaluated: 2025-04-30. Review status: criteria provided, single submitter. Criteria: LabCorp Variant Classification Summary - May 2015. Collection method: clinical testing. Allele origin: germline.
Comment: Variant summary: GNRHR c.29A>G (p.Asn10Ser) results in a conservative amino acid change in the encoded protein sequence. Five of five in-silico tools predict a benign effect of the variant on protein function. The variant allele was found at a frequency of 4e-06 in 247640 control chromosomes. The available data on variant occurrences in the general population are insufficient to allow any conclusion about variant significance. To our knowledge, no occurrence of c.29A>G in individuals affected with Hypogonadotropic Hypogonadism 7 With Or Without Anosmia and no experimental evidence demonstrating its impact on protein function have been reported. No submitters have cited clinical-significance assessments for this variant to ClinVar. Based on the evidence outlined above, the variant was classified as uncertain significance.